The following is an entry in ClinVar:

NM_002968.3(SALL1):c.1214dup (p.Leu406fs)

Gene: SALL1 (spalt like transcription factor 1; minus strand). Cytogenetic location: 16q12.1.
Variant type: Duplication.
Coding change: c.1214dup on transcript NM_002968.3 (MANE Select); coding-DNA position 1214, one base duplicated (C; older notation c.1214dupC).
Protein change: p.Leu406fs; shifts the reading frame from leucine 406.
Molecular consequence: frameshift variant.
Genome position (GRCh38, 1-based): chr16:51,141,008, G duplicated on the plus strand (C on the coding strand, the reverse complement: SALL1 is on the minus strand); the first of 3 consecutive G bases (chr16:51,141,008-51,141,010); duplicating any one gives the same sequence. VCF-style (leftmost placement, unchanged base first): chr16-51141007-A-AG. GRCh37 (hg19) VCF-style: chr16-51174918-A-AG.
Other names: c.923dup, p.Leu309fs (NM_001127892.2); c.1214dupC (NM_002968.2); short protein forms L309fs, L406fs.
Identifiers: ClinVar variation 459257 (VCV000459257.7), dbSNP rs1555475275, ClinGen allele CA658658470.

ClinVar aggregate classification (germline): Pathogenic (1 of 4 stars; one submission).

Conditions:
Townes syndrome (TBS). Also called: Townes-Brocks syndrome. Identifiers: Orphanet 857, MedGen C0265246, MeSH C536974, MONDO:0007142.

Submission:

Labcorp Genetics (formerly Invitae), Labcorp
Classification: Pathogenic for Townes syndrome. Last evaluated: 2016-12-13. Review status: criteria provided, single submitter. Criteria: Invitae Variant Classification Sherloc (09022015). Collection method: clinical testing. Allele origin: germline.
Comment: This sequence change inserts 1 nucleotide in exon 2 of the SALL1 mRNA (c.1214dupC), causing a frameshift at codon 406. This creates a premature translational stop signal (p.Leu406Phefs*32) and is expected to result in an absent or disrupted protein product. While this particular variant has not been reported in the literature, loss-of-function variants in SALL1 are known to be pathogenic (PMID: 9973281, 16088922). For these reasons, this variant has been classified as Pathogenic.

Literature cited by the submitters: PubMed 9973281; PubMed 16088922.